The following is an entry in ClinVar:

NM_004656.4(BAP1):c.1986del (p.Ile662fs)

Gene: BAP1 (BRCA1 associated deubiquitinase 1; minus strand). Cytogenetic location: 3p21.1.
Variant type: Deletion.
Coding change: c.1986del on transcript NM_004656.4 (MANE Select); coding-DNA position 1986, one base deleted (T; older notation c.1986delT).
Protein change: p.Ile662fs; shifts the reading frame from isoleucine 662.
Molecular consequence: frameshift variant.
Genome position (GRCh38, 1-based): chr3:52,402,672, A deleted on the plus strand (T on the coding strand, the reverse complement: BAP1 is on the minus strand); the first of 2 consecutive A bases (chr3:52,402,672-52,402,673); deleting either gives the same sequence. VCF-style (leftmost placement, unchanged base first): chr3-52402671-CA-C. GRCh37 (hg19) VCF-style: chr3-52436687-CA-C.
Other names: short protein forms I662fs.
Identifiers: ClinVar variation 955914 (VCV000955914.7), dbSNP rs1705001036, ClinGen allele CA1139658108.

ClinVar aggregate classification (germline): Pathogenic (1 of 4 stars; one submission).

Conditions:
BAP1-related tumor predisposition syndrome (TPDS1). Also called: Tumor susceptibility linked to germline BAP1 mutations; COMMON Syndrome; TUMOR PREDISPOSITION SYNDROME 1; BAP1 tumor predisposition syndrome. Identifiers: Orphanet 289539, MedGen C3280492, MONDO:0013692, OMIM 614327.

Submission:

Labcorp Genetics (formerly Invitae), Labcorp
Classification: Pathogenic for BAP1-related tumor predisposition syndrome. Last evaluated: 2022-01-28. Review status: criteria provided, single submitter. Criteria: Invitae Variant Classification Sherloc (09022015). Collection method: clinical testing. Allele origin: germline.
Comment: For these reasons, this variant has been classified as Pathogenic. This variant disrupts a region of the BAP1 protein in which other variant(s) (p.Gln684*) have been determined to be pathogenic (PMID: 18757409, 21874000, 24243779). This suggests that this is a clinically significant region of the protein, and that variants that disrupt it are likely to be disease-causing. ClinVar contains an entry for this variant (Variation ID: 955914). This variant has not been reported in the literature in individuals affected with BAP1-related conditions. This variant is not present in population databases (gnomAD no frequency). This sequence change creates a premature translational stop signal (p.Ile662Metfs*30) in the BAP1 gene. While this is not anticipated to result in nonsense mediated decay, it is expected to disrupt the last 68 amino acid(s) of the BAP1 protein.

Literature cited by the submitters: PubMed 18757409; PubMed 21874000; PubMed 24243779.